The following is an entry in ClinVar:

NM_000264.5(PTCH1):c.1151del (p.His384fs)

Gene: PTCH1 (patched 1; minus strand). Cytogenetic location: 9q22.32.
Variant type: Deletion.
Coding change: c.1151del on transcript NM_000264.5 (MANE Select); coding-DNA position 1151, one base deleted (A; older notation c.1151delA).
Protein change: p.His384fs; shifts the reading frame from histidine 384.
Molecular consequence: frameshift variant. On other transcripts: non-coding transcript variant (1).
Genome position (GRCh38, 1-based): chr9:95,479,064, T deleted on the plus strand (A on the coding strand, the reverse complement: PTCH1 is on the minus strand). VCF-style (leftmost placement, unchanged base first): chr9-95479063-GT-G. GRCh37 (hg19) VCF-style: chr9-98241345-GT-G.
Other names: c.953del, p.His318fs (NM_001083602.3); c.1148del, p.His383fs (NM_001083603.3); c.698del, p.His233fs (NM_001083604.3, NM_001083605.3, NM_001083606.3 and 1 more transcripts); c.1151del, p.His384fs (NM_001354918.2); short protein forms H233fs, H318fs, H384fs, H383fs.
Identifiers: ClinVar variation 839078 (VCV000839078.8), dbSNP rs1841322999, ClinGen allele CA916081535.

ClinVar aggregate classification (germline): Pathogenic (1 of 4 stars; one submission).

Conditions:
Gorlin syndrome. Also called: Basal cell nevus syndrome; Nevoid Basal Cell Carcinoma Syndrome. Identifiers: Orphanet 377, MedGen C0004779, MONDO:0007187.

Submission:

Labcorp Genetics (formerly Invitae), Labcorp
Classification: Pathogenic for Gorlin syndrome. Last evaluated: 2019-11-26. Review status: criteria provided, single submitter. Criteria: Invitae Variant Classification Sherloc (09022015). Collection method: clinical testing. Allele origin: germline.
Comment: This variant is not present in population databases (ExAC no frequency). This sequence change creates a premature translational stop signal (p.His384Profs*48) in the PTCH1 gene. It is expected to result in an absent or disrupted protein product. Loss-of-function variants in PTCH1 are known to be pathogenic (PMID: 16301862, 16419085). For these reasons, this variant has been classified as Pathogenic. This variant has not been reported in the literature in individuals with PTCH1-related conditions.

Literature cited by the submitters: PubMed 16301862; PubMed 16419085.